The following is an entry in ClinVar:

NM_001256789.3(CACNA1F):c.3591_3595dup (p.Gln1199fs)

Gene: CACNA1F (calcium voltage-gated channel subunit alpha1 F; minus strand). Cytogenetic location: Xp11.23.
Variant type: Duplication.
Coding change: c.3591_3595dup on transcript NM_001256789.3 (MANE Select); coding-DNA positions 3591 to 3595, 5 bases duplicated (CATGC; older notation c.3591_3595dupCATGC).
Protein change: p.Gln1199fs; shifts the reading frame from glutamine 1199.
Molecular consequence: frameshift variant.
Genome position (GRCh38, 1-based): chrX:49,215,088-49,215,092, GCATG duplicated on the plus strand (CATGC on the coding strand, the reverse complement: CACNA1F is on the minus strand); duplicating any 5 consecutive bases within chrX:49,215,088-49,215,094 gives the same sequence; the c. name uses the placement nearest the transcript's 3' end. VCF-style (leftmost placement, unchanged base first): chrX-49215087-T-TGCATG. GRCh37 (hg19) VCF-style: chrX-49071547-T-TGCATG.
Other names: c.3429_3433dup, p.Gln1145fs (NM_001256790.3); c.3624_3628dup, p.Gln1210fs (NM_005183.4); short protein forms Q1145fs, Q1199fs, Q1210fs.
Identifiers: ClinVar variation 3066214 (VCV003066214.1), dbSNP rs2520865607, ClinGen allele CA2740097966.

ClinVar aggregate classification (germline): Likely pathogenic (1 of 4 stars; one submission).

Conditions:
X-linked cone-rod dystrophy 3 (CORDX3). Identifiers: Orphanet 1872, MedGen C1845407, MONDO:0010335, OMIM 300476.

Submission:

MVZ Medizinische Genetik Mainz
Classification: Likely pathogenic for X-linked cone-rod dystrophy 3. Last evaluated: 2023-01-26. Review status: criteria provided, single submitter. Criteria: UK Practice Guidelines For Variant Classification V4 01 2020. Collection method: clinical testing. Allele origin: germline. Inheritance: X-linked dominant inheritance. Affected: yes. Observed: 1 variant allele.
Comment: ACMG Criteria: PVS1, PM2_SUP